The following is an entry in ClinVar:

ClinVar aggregate classification (germline): Likely pathogenic (1 of 4 stars; one submission).

Conditions:
Xeroderma pigmentosum, group D (XPD). Also called: XERODERMA PIGMENTOSUM, COMPLEMENTATION GROUP D; XERODERMA PIGMENTOSUM IV; XP, GROUP D; XP, GROUP H; ERCC2-Related Xeroderma Pigmentosum. Identifiers: MedGen C0268138, MONDO:0010212, OMIM 278730.
Cerebrooculofacioskeletal syndrome 2 (COFS2). Identifiers: MedGen C1853102, MONDO:0012553, OMIM 610756.
Trichothiodystrophy 1, photosensitive (TTD1). Also called: TAY SYNDROME; TRICHOTHIODYSTROPHY WITH CONGENITAL ICHTHYOSIS; PIBIDS SYNDROME. Identifiers: Orphanet 33364, MedGen C1866504, MONDO:0011125, OMIM 601675.

Submission:

Juno Genomics, Hangzhou Juno Genomics, Inc
Classification: Likely pathogenic for Cerebrooculofacioskeletal syndrome 2; Trichothiodystrophy 1, photosensitive; Xeroderma pigmentosum, group D. Review status: criteria provided, single submitter. Criteria: ACMG Guidelines, 2015. Collection method: clinical testing. Allele origin: germline.
Comment: Null variant in a gene where loss of function (LOF) is a known mechanism of disease.;Absent from controls (or at extremely low frequency if recessive) in Genome Aggregation Database.

NM_000400.4(ERCC2):c.2074A>T (p.Lys692Ter)

Gene: ERCC2 (ERCC excision repair 2, TFIIH core complex helicase subunit; minus strand). Cytogenetic location: 19q13.32.
Variant type: single nucleotide variant.
Coding change: c.2074A>T on transcript NM_000400.4 (MANE Select); coding-DNA position 2074, A replaced by T.
Protein change: p.Lys692Ter; replaces lysine 692 with a stop codon.
Molecular consequence: nonsense. On other transcripts: non-coding transcript variant (3).
Genome position (GRCh38, 1-based): chr19:45,352,325, T>A on the plus strand (A>T on the coding strand, the complement: ERCC2 is on the minus strand). VCF-style: chr19-45352325-T-A. GRCh37 (hg19) VCF-style: chr19-45855583-T-A.
Other names: c.2002A>T, p.Lys668Ter (NM_001440355.1); c.1996A>T, p.Lys666Ter (NM_001440356.1); c.1951A>T, p.Lys651Ter (NM_001440357.1); short protein forms K668*, K692*, K651*, K666*.
Identifiers: ClinVar variation 5006006 (VCV005006006.2).